The following is an entry in ClinVar:

NM_001127511.3(APC):c.83G>C (p.Gly28Ala)

Gene: APC (APC regulator of Wnt signaling pathway; plus strand). Cytogenetic location: 5q22.2.
Variant type: single nucleotide variant.
Coding change: c.83G>C on transcript NM_001127511.3; coding-DNA position 83, G replaced by C.
Protein change: p.Gly28Ala; replaces glycine 28 with alanine.
Molecular consequence: missense variant. On other transcripts: 5 prime UTR variant (8), non-coding transcript variant (1), intron variant (5).
Genome position (GRCh38, 1-based): chr5:112,707,800, G>C. VCF-style: chr5-112707800-G-C. GRCh37 (hg19) VCF-style: chr5-112043497-G-C.
Other names: c.-101G>C (NM_001354895.2, NM_001407447.1, NM_001407452.1 and 3 more transcripts); c.83G>C, p.Gly28Ala (NM_001354897.2, NM_001354902.2, NM_001407446.1); c.-1136G>C (NM_001407470.1, NM_001407472.1); c.-19+151G>C (NM_001407448.1, NM_001407450.1, NM_001407457.1 and 1 more transcripts); c.-43+151G>C (NM_001407453.1); short protein forms G28A.
Identifiers: ClinVar variation 4773032 (VCV004773032.1).

ClinVar aggregate classification (germline): Uncertain significance (1 of 4 stars; one submission).

Conditions:
Familial adenomatous polyposis 1 (FAP1). Also called: POLYPOSIS, ADENOMATOUS INTESTINAL; FAMILIAL ADENOMATOUS POLYPOSIS 1, ATTENUATED. Identifiers: MedGen C2713442, MONDO:0021056, OMIM 175100. Disease mechanism: loss of function.

Submission:

Labcorp Genetics (formerly Invitae), Labcorp
Classification: Uncertain significance for Familial adenomatous polyposis 1. Last evaluated: 2025-07-09. Review status: criteria provided, single submitter. Criteria: Invitae Variant Classification Sherloc (09022015). Collection method: clinical testing. Allele origin: germline.
Comment: This variant occurs in a non-coding region of the APC gene. It does not change the encoded amino acid sequence of the APC protein. This variant is not present in population databases (gnomAD no frequency). This variant has not been reported in the literature in individuals affected with APC-related conditions. Experimental studies and prediction algorithms are not available or were not evaluated, and the functional significance of this variant is currently unknown. In summary, the available evidence is currently insufficient to determine the role of this variant in disease. Therefore, it has been classified as a Variant of Uncertain Significance.